The following is an entry in ClinVar:

NM_032043.3(BRIP1):c.1776G>C (p.Trp592Cys)

Gene: BRIP1 (BRCA1 interacting DNA helicase 1; minus strand). Cytogenetic location: 17q23.2.
Variant type: single nucleotide variant.
Coding change: c.1776G>C on transcript NM_032043.3 (MANE Select); coding-DNA position 1776, G replaced by C.
Protein change: p.Trp592Cys; replaces tryptophan 592 with cysteine.
Molecular consequence: missense variant.
Genome position (GRCh38, 1-based): chr17:61,780,858, C>G on the plus strand (G>C on the coding strand, the complement: BRIP1 is on the minus strand). VCF-style: chr17-61780858-C-G. GRCh37 (hg19) VCF-style: chr17-59858219-C-G.
Other names: short protein forms W592C.
Identifiers: ClinVar variation 4842388 (VCV004842388.1).

ClinVar aggregate classification (germline): Uncertain significance (1 of 4 stars; one submission).

Conditions:
Hereditary cancer-predisposing syndrome. Also called: Neoplastic Syndromes, Hereditary; Tumor predisposition; Hereditary Cancer Syndrome; Hereditary neoplastic syndrome. Identifiers: Orphanet 140162, MedGen C0027672, MeSH D009386, MONDO:0015356.

Submission:

Ambry Genetics
Classification: Uncertain significance for Hereditary cancer-predisposing syndrome. Last evaluated: 2025-12-23. Review status: criteria provided, single submitter. Criteria: Ambry Variant Classification Scheme 2023. Collection method: clinical testing. Allele origin: germline.
Comment: The p.W592C variant (also known as c.1776G>C), located in coding exon 11 of the BRIP1 gene, results from a G to C substitution at nucleotide position 1776. The tryptophan at codon 592 is replaced by cysteine, an amino acid with highly dissimilar properties. This amino acid position is highly conserved in available vertebrate species. In addition, the in silico prediction for this alteration is inconclusive. Based on the available evidence, the clinical significance of this variant remains unclear.